The following is an entry in ClinVar:

NM_001843.4(CNTN1):c.401-94C>T

Gene: CNTN1 (contactin 1; plus strand). Cytogenetic location: 12q12.
Variant type: single nucleotide variant.
Coding change: c.401-94C>T on transcript NM_001843.4 (MANE Select); 94 bases into the intron before coding-DNA position 401, C replaced by T.
Molecular consequence: intron variant.
Genome position (GRCh38, 1-based): chr12:40,924,463, C>T. VCF-style: chr12-40924463-C-T. GRCh37 (hg19) VCF-style: chr12-41318265-C-T.
Other names: c.401-94C>T (NM_001256063.2, NM_001256064.2); c.368-94C>T (NM_175038.2).
Identifiers: ClinVar variation 679920 (VCV000679920.2), dbSNP rs7299744, ClinGen allele CA235390884.

ClinVar aggregate classification (germline): Benign. Review status: criteria provided, multiple submitters, no conflicts (2 of 4 stars). 2 submissions from 2 submitters: Benign (2). Last evaluated 2018-06-19.

Allele frequency attached by ClinVar (database versions not stated): 1000 Genomes Project 0.08307; 1000 Genomes Project 30x 0.08510; TOPMed 0.10672; gnomAD exomes 0.11007; gnomAD 0.11021 and 0.11236.
gnomAD v4.1: 80,554 of 731,302 alleles (11%); highest among the groups gnomAD compares: Non-Finnish European, 12%; 4,765 homozygotes.

Submissions (2):

GeneDx
Classification: Benign. Last evaluated: 2018-06-19. Review status: criteria provided, single submitter. Criteria: GeneDx Variant Classification (06012015). Collection method: clinical testing. Allele origin: germline. Affected: yes.
Comment: This variant is considered likely benign or benign based on one or more of the following criteria: it is a conservative change, it occurs at a poorly conserved position in the protein, it is predicted to be benign by multiple in silico algorithms, and/or has population frequency not consistent with disease.

Breakthrough Genomics
Classification: Benign. Review status: criteria provided, single submitter. Criteria: ACMG Guidelines, 2015. Collection method: not provided. Allele origin: germline. Inheritance: Autosomal recessive inheritance. Affected: yes.